The following is an entry in ClinVar:

ClinVar aggregate classification (germline): Pathogenic (1 of 4 stars; one submission).

Conditions:
Sengers syndrome. Also called: MITOCHONDRIAL DNA DEPLETION SYNDROME 10 (CARDIOMYOPATHIC TYPE); Cardiomyopathy and cataract. Identifiers: Orphanet 1369, MedGen C1859317, MONDO:0008922, OMIM 212350.

Submission:

Juno Genomics, Hangzhou Juno Genomics, Inc
Classification: Pathogenic for Sengers syndrome. Review status: criteria provided, single submitter. Criteria: ACMG Guidelines, 2015. Collection method: clinical testing. Allele origin: germline. Affected: yes.
Comment: Null variant in a gene where loss of function (LOF) is a known mechanism of disease.;Absent from controls (or at extremely low frequency if recessive) in Genome Aggregation Database, Exome Sequencing Project, 1000 Genomes Project, or Exome Aggregation Consortium.;For recessive disorders, detected in trans with a pathogenic variant.

NM_018238.4(AGK):c.871C>T (p.Gln291Ter)

Gene: AGK (acylglycerol kinase; plus strand). Cytogenetic location: 7q34.
Variant type: single nucleotide variant.
Coding change: c.871C>T on transcript NM_018238.4 (MANE Select); coding-DNA position 871, C replaced by T.
Protein change: p.Gln291Ter; replaces glutamine 291 with a stop codon.
Molecular consequence: nonsense.
Genome position (GRCh38, 1-based): chr7:141,641,392, C>T. VCF-style: chr7-141641392-C-T. GRCh37 (hg19) VCF-style: chr7-141341192-C-T.
Other names: c.871C>T, p.Gln291Ter (NM_001364948.3); short protein forms Q291*.
Identifiers: ClinVar variation 3381949 (VCV003381949.2).
Genomic context (GRCh38, chr7:141,641,392, plus strand): 5'-CAAAGGCCTTCTTTGTACAGGAGAATATTACGAAGGCTTGCGTCCTACTGGGCACAACCA[C>T]AGGATGGTGAGCAATGTGGCGACTAAAGATTGGAGGGCCCTGGTCAGTTTAGAAGTGCCC-3'